The following is an entry in ClinVar:

ClinVar aggregate classification (germline): Uncertain significance (1 of 4 stars; one submission).

Conditions:
Dyskinesia with orofacial involvement, autosomal dominant (DSKOD). Also called: Dyskinesia, familial, with facial myokymia; Familial dyskinesia and facial myokymia; Familial Dyskinesia with Facial Myokymia (FDFM). Identifiers: Orphanet 324588, MedGen C1847627, MONDO:0800028, OMIM 606703.

Allele frequency attached by ClinVar (database versions not stated): gnomAD exomes below 0.00001; TOPMed below 0.00001; gnomAD 0.00001.
gnomAD v4.1: 2 of 1,613,522 alleles (0.00012%); highest among the groups gnomAD compares: Non-Finnish European, 0.00017%; no homozygotes.

Submission:

Centre for Mendelian Genomics, University Medical Centre Ljubljana
Classification: Uncertain significance for Dyskinesia with orofacial involvement, autosomal dominant. Last evaluated: 2016-01-01. Review status: criteria provided, single submitter. Criteria: ACMG Guidelines, 2015. Collection method: clinical testing. Allele origin: unknown. Affected: yes.
Comment: This variant was classified as: Uncertain significance. The following ACMG criteria were applied in classifying this variant: PM2,PP3.

NM_183357.3(ADCY5):c.3613G>A (p.Val1205Met)

Gene: ADCY5 (adenylate cyclase 5; minus strand). Cytogenetic location: 3q21.1.
Variant type: single nucleotide variant.
Coding change: c.3613G>A on transcript NM_183357.3 (MANE Select); coding-DNA position 3613, G replaced by A.
Protein change: p.Val1205Met; replaces valine 1205 with methionine.
Molecular consequence: missense variant.
Genome position (GRCh38, 1-based): chr3:123,286,729, C>T on the plus strand (G>A on the coding strand, the complement: ADCY5 is on the minus strand). VCF-style: chr3-123286729-C-T. GRCh37 (hg19) VCF-style: chr3-123005576-C-T.
Other names: c.2563G>A, p.Val855Met (NM_001199642.1); c.3688G>A, p.Val1230Met (NM_001378259.1); short protein forms V1230M, V855M, V1205M.
Identifiers: ClinVar variation 931467 (VCV000931467.3), dbSNP rs1938794666, ClinGen allele CA354222292.